The following is an entry in ClinVar:

NM_152393.4(KLHL40):c.277G>C (p.Glu93Gln)

Gene: KLHL40 (kelch like family member 40; plus strand). Cytogenetic location: 3p22.1.
Variant type: single nucleotide variant.
Coding change: c.277G>C on transcript NM_152393.4 (MANE Select); coding-DNA position 277, G replaced by C.
Protein change: p.Glu93Gln; replaces glutamic acid 93 with glutamine.
Molecular consequence: missense variant.
Genome position (GRCh38, 1-based): chr3:42,685,895, G>C. VCF-style: chr3-42685895-G-C. GRCh37 (hg19) VCF-style: chr3-42727387-G-C.
Other names: short protein forms E93Q.
Identifiers: ClinVar variation 380952 (VCV000380952.15), dbSNP rs202061995, ClinGen allele CA2336610.
Genomic context (GRCh38, chr3:42,685,895, plus strand): 5'-CACCTGGAGGAGGTGTCCCCGGACGTGGTGGCCCAGGTGCTGCACTACCTGTACACATCA[G>C]AGATCGCGCTGGATGAGGCGAGCGTGCAGGATTTGTTCGCCGCGGCACACCGCTTCCAGA-3'
Protein context (NP_689606.2, residues 83-103): AQVLHYLYTS[Glu93Gln]IALDEASVQD

ClinVar aggregate classification (germline): Benign/Likely benign. Review status: criteria provided, multiple submitters, no conflicts (2 of 4 stars). 3 submissions from 3 submitters: Benign (1); Likely benign (1). 1 of the submissions does not count toward it. Last evaluated 2025-12-31.

Conditions:
Nemaline myopathy 8 (NEM8). Also called: Nemaline myopathy 8, autosomal recessive. Identifiers: Orphanet 171430, MedGen C3809209, MONDO:0014138, OMIM 615348.
KLHL40-related disorder. Also called: KLHL40-related condition.

Allele frequency attached by ClinVar (database versions not stated): gnomAD exomes 0.00023 and 0.00066; gnomAD 0.00024 and 0.00028; TOPMed 0.00031; ExAC 0.00063; 1000 Genomes Project 0.00160; 1000 Genomes Project 30x 0.00172.
gnomAD v4.1: 385 of 1,612,348 alleles (0.024%); highest among the groups gnomAD compares: East Asian, 0.82%; no homozygotes.

Submissions (3):

Labcorp Genetics (formerly Invitae), Labcorp
Classification: Benign for Nemaline myopathy 8. Last evaluated: 2025-12-31. Review status: criteria provided, single submitter. Criteria: Invitae Variant Classification Sherloc (09022015). Collection method: clinical testing. Allele origin: germline.

GeneDx
Classification: Likely benign. Last evaluated: 2018-11-19. Review status: criteria provided, single submitter. Criteria: GeneDx Variant Classification Process June 2021. Collection method: clinical testing. Allele origin: germline. Affected: yes.

PreventionGenetics, part of Exact Sciences
Classification: Benign for KLHL40-related condition. Last evaluated: 2019-09-17. Review status: no assertion criteria provided. Collection method: clinical testing. Allele origin: germline. Not counted in ClinVar's aggregate classification.
Comment: This variant is classified as benign based on ACMG/AMP sequence variant interpretation guidelines (Richards et al. 2015 PMID: 25741868, with internal and published modifications).